The following is an entry in ClinVar:

NM_017849.4(TMEM127):c.664G>T (p.Ala222Ser)

Gene: TMEM127 (transmembrane protein 127; minus strand). Cytogenetic location: 2q11.2.
Variant type: single nucleotide variant.
Coding change: c.664G>T on transcript NM_017849.4 (MANE Select); coding-DNA position 664, G replaced by T.
Protein change: p.Ala222Ser; replaces alanine 222 with serine.
Molecular consequence: missense variant.
Genome position (GRCh38, 1-based): chr2:96,253,861, C>A on the plus strand (G>T on the coding strand, the complement: TMEM127 is on the minus strand). VCF-style: chr2-96253861-C-A. GRCh37 (hg19) VCF-style: chr2-96919599-C-A.
Other names: c.664G>T, p.Ala222Ser (NM_001193304.3); c.412G>T, p.Ala138Ser (NM_001407282.1, NM_001407283.1); short protein forms A222S, A138S.
Identifiers: ClinVar variation 2802991 (VCV002802991.6), dbSNP rs747098700, ClinGen allele CA347651412.
Genomic context (GRCh38, chr2:96,253,861, plus strand): 5'-GCTGGCATTAGGGTGTGTAAGCAGGGGGTGGCTGGAACTGGTTGATGACCTCATATTCCG[C>A]CGGGTAGGGCTCGTTCTCTTCCATCTCTGAGAGCAGCTCCAGCGCCTGCTCCTCTTCCTC-3'
Protein context (NP_060319.1, residues 212-232): SEMEENEPYP[Ala222Ser]EYEVINQFQP

ClinVar aggregate classification (germline): Uncertain significance. Review status: criteria provided, multiple submitters, no conflicts (2 of 4 stars). 3 submissions from 3 submitters: Uncertain significance (3). Last evaluated 2025-10-09.

Conditions:
Hereditary pheochromocytoma and paraganglioma. Also called: Hereditary Paraganglioma-Pheochromocytoma Syndromes; Hereditary paragangliomas and pheochromocytomas; Hereditary pheochromocytoma-paraganglioma. Identifiers: Orphanet 29072, MedGen C4274332, MONDO:0017366.
Hereditary cancer-predisposing syndrome. Also called: Neoplastic Syndromes, Hereditary; Tumor predisposition; Hereditary neoplastic syndrome; Hereditary Cancer Syndrome. Identifiers: Orphanet 140162, MedGen C0027672, MeSH D009386, MONDO:0015356.

gnomAD v4.1: 1 of 1,613,986 alleles (0.000062%); highest among the groups gnomAD compares: Non-Finnish European, 0.000085%; no homozygotes.

Submissions (3):

Ambry Genetics
Classification: Uncertain significance for Hereditary cancer-predisposing syndrome. Last evaluated: 2025-10-09. Review status: criteria provided, single submitter. Criteria: Ambry Variant Classification Scheme 2023. Collection method: clinical testing. Allele origin: germline.
Comment: The p.A222S variant (also known as c.664G>T), located in coding exon 3 of the TMEM127 gene, results from a G to T substitution at nucleotide position 664. The alanine at codon 222 is replaced by serine, an amino acid with similar properties. This amino acid position is conserved. In addition, the in silico prediction for this alteration is inconclusive. Based on the available evidence, the clinical significance of this variant remains unclear.

Dasa
Classification: Uncertain significance. Last evaluated: 2025-05-20. Review status: criteria provided, single submitter. Criteria: DASA Assertion Criteria. Collection method: clinical testing. Allele origin: germline.
Comment: NM_017849.4(TMEM127):c.664G>T (p.Ala222Ser) is a missense variant that results in the substitution of alanine with serine. This variant is rare in population databases. Computational prediction algorithms are consistent with a benign effect. The currently available literature and clinical evidence are not sufficient to establish a definitive association between this variant and the reported condition. Therefore, this variant is classified as a variant of uncertain significance.

Labcorp Genetics (formerly Invitae), Labcorp
Classification: Uncertain significance for Hereditary pheochromocytoma and paraganglioma. Last evaluated: 2023-04-06. Review status: criteria provided, single submitter. Criteria: Invitae Variant Classification Sherloc (09022015). Collection method: clinical testing. Allele origin: germline.
Comment: This sequence change replaces alanine, which is neutral and non-polar, with serine, which is neutral and polar, at codon 222 of the TMEM127 protein (p.Ala222Ser). This variant is not present in population databases (gnomAD no frequency). This variant has not been reported in the literature in individuals affected with TMEM127-related conditions. Algorithms developed to predict the effect of missense changes on protein structure and function output the following: SIFT: "Not Available"; PolyPhen-2: "Benign"; Align-GVGD: "Not Available". The serine amino acid residue is found in multiple mammalian species, which suggests that this missense change does not adversely affect protein function. In summary, the available evidence is currently insufficient to determine the role of this variant in disease. Therefore, it has been classified as a Variant of Uncertain Significance.